The following is an entry in ClinVar:

NM_001734.5(C1S):c.1535C>T (p.Pro512Leu)

Gene: C1S (complement C1s; plus strand). Cytogenetic location: 12p13.31.
Variant type: single nucleotide variant.
Coding change: c.1535C>T on transcript NM_001734.5 (MANE Select); coding-DNA position 1535, C replaced by T.
Protein change: p.Pro512Leu; replaces proline 512 with leucine.
Molecular consequence: missense variant.
Genome position (GRCh38, 1-based): chr12:7,070,119, C>T. VCF-style: chr12-7070119-C-T. GRCh37 (hg19) VCF-style: chr12-7177423-C-T.
Other names: c.1034C>T, p.Pro345Leu (NM_001346850.2); c.1535C>T, p.Pro512Leu (NM_201442.4); short protein forms P345L, P512L.
Identifiers: ClinVar variation 3010077 (VCV003010077.3), dbSNP rs1555162972, ClinGen allele CA383704967.

ClinVar aggregate classification (germline): Uncertain significance (1 of 4 stars; one submission).

Allele frequency attached by ClinVar (database versions not stated): gnomAD exomes 0.00001.
gnomAD v4.1: 10 of 1,614,144 alleles (0.00062%); highest among the groups gnomAD compares: East Asian, 0.0022%; no homozygotes.

Submission:

Labcorp Genetics (formerly Invitae), Labcorp
Classification: Uncertain significance. Last evaluated: 2025-03-31. Review status: criteria provided, single submitter. Criteria: Invitae Variant Classification Sherloc (09022015). Collection method: clinical testing. Allele origin: germline.
Comment: This sequence change replaces proline, which is neutral and non-polar, with leucine, which is neutral and non-polar, at codon 512 of the C1S protein (p.Pro512Leu). This variant is present in population databases (no rsID available, gnomAD 0.006%). This variant has not been reported in the literature in individuals affected with C1S-related conditions. ClinVar contains an entry for this variant (Variation ID: 3010077). Invitae Evidence Modeling of protein sequence and biophysical properties (such as structural, functional, and spatial information, amino acid conservation, physicochemical variation, residue mobility, and thermodynamic stability) indicates that this missense variant is expected to disrupt C1S protein function with a positive predictive value of 80%. In summary, the available evidence is currently insufficient to determine the role of this variant in disease. Therefore, it has been classified as a Variant of Uncertain Significance.